The following is an entry in ClinVar:

ClinVar aggregate classification (germline): Uncertain significance (1 of 4 stars; one submission).

gnomAD v4.1: 4 of 1,548,704 alleles (0.00026%); highest among the groups gnomAD compares: Admixed American, 0.0063%; no homozygotes.

Submission:

Labcorp Genetics (formerly Invitae), Labcorp
Classification: Uncertain significance. Last evaluated: 2024-05-26. Review status: criteria provided, single submitter. Criteria: Invitae Variant Classification Sherloc (09022015). Collection method: clinical testing. Allele origin: germline.
Comment: This sequence change replaces proline, which is neutral and non-polar, with serine, which is neutral and polar, at codon 868 of the EPHB4 protein (p.Pro868Ser). This variant is not present in population databases (gnomAD no frequency). This variant has not been reported in the literature in individuals affected with EPHB4-related conditions. Advanced modeling of protein sequence and biophysical properties (such as structural, functional, and spatial information, amino acid conservation, physicochemical variation, residue mobility, and thermodynamic stability) performed at Invitae indicates that this missense variant is not expected to disrupt EPHB4 protein function with a negative predictive value of 80%. In summary, the available evidence is currently insufficient to determine the role of this variant in disease. Therefore, it has been classified as a Variant of Uncertain Significance.

NM_004444.5(EPHB4):c.2602C>T (p.Pro868Ser)

Genes: EPHB4 (EPH receptor B4; minus strand), LOC126860124 (CDK7 strongly-dependent group 2 enhancer GRCh37_chr7:100403701-100404900; plus strand). Cytogenetic location: 7q22.1.
Variant type: single nucleotide variant.
Coding change: c.2602C>T on transcript NM_004444.5 (MANE Select); coding-DNA position 2602, C replaced by T.
Protein change: p.Pro868Ser; replaces proline 868 with serine.
Molecular consequence: missense variant.
Genome position (GRCh38, 1-based): chr7:100,805,577, G>A on the plus strand (C>T on the coding strand, the complement: EPHB4 is on the minus strand). VCF-style: chr7-100805577-G-A. GRCh37 (hg19) VCF-style: chr7-100403199-G-A.
Other names: short protein forms P868S.
Identifiers: ClinVar variation 3631544 (VCV003631544.2).